The following is an entry in ClinVar:

ClinVar aggregate classification (germline): Conflicting classifications of pathogenicity. Review status: criteria provided, conflicting classifications (1 of 4 stars). 3 submissions from 3 submitters: Uncertain significance (1); Likely benign (2). Last evaluated 2025-11-18.

Conditions:
Hereditary cancer-predisposing syndrome. Also called: Tumor predisposition; Hereditary Cancer Syndrome; Neoplastic Syndromes, Hereditary; Hereditary neoplastic syndrome. Identifiers: Orphanet 140162, MedGen C0027672, MeSH D009386, MONDO:0015356.
Gorlin syndrome. Also called: Nevoid Basal Cell Carcinoma Syndrome; Basal cell nevus syndrome. Identifiers: Orphanet 377, MedGen C0004779, MONDO:0007187.

Allele frequency attached by ClinVar (database versions not stated): gnomAD exomes below 0.00001 and 0.00001.
gnomAD v4.1: 2 of 1,553,610 alleles (0.00013%); highest among the groups gnomAD compares: Non-Finnish European, 0.00017%; no homozygotes.

Submissions (3):

Labcorp Genetics (formerly Invitae), Labcorp
Classification: Likely benign for Gorlin syndrome. Last evaluated: 2025-11-18. Review status: criteria provided, single submitter. Criteria: Invitae Variant Classification Sherloc (09022015). Collection method: clinical testing. Allele origin: germline.

Quest Diagnostics Nichols Institute San Juan Capistrano
Classification: Uncertain significance. Last evaluated: 2023-06-19. Review status: criteria provided, single submitter. Criteria: Quest Diagnostics criteria. Collection method: clinical testing. Allele origin: unknown.
Comment: To the best of our knowledge, this variant has not been reported in the published literature. The frequency of this variant in the general population, 0.0000064 (1/157282 chromosomes (Genome Aggregation Database)), is uninformative in the assessment of its pathogenicity. Analysis of this variant using software algorithms for the prediction of the effect of nucleotide changes on splicing yielded predictions that this variant does not affect PTCH1 mRNA splicing . Based on the available information, we are unable to determine the clinical significance of this variant.

Ambry Genetics
Classification: Likely benign for Hereditary cancer-predisposing syndrome. Last evaluated: 2023-03-20. Review status: criteria provided, single submitter. Criteria: Ambry Variant Classification Scheme 2023. Collection method: clinical testing. Allele origin: germline.

NM_000264.5(PTCH1):c.3573C>T (p.Asn1191=)

Gene: PTCH1 (patched 1; minus strand). Cytogenetic location: 9q22.32.
Variant type: single nucleotide variant.
Coding change: c.3573C>T on transcript NM_000264.5 (MANE Select); coding-DNA position 3573, C replaced by T.
Protein change: p.Asn1191=; no amino-acid change (asparagine 1191 retained).
Molecular consequence: synonymous variant. On other transcripts: non-coding transcript variant (1).
Genome position (GRCh38, 1-based): chr9:95,449,300, G>A on the plus strand (C>T on the coding strand, the complement: PTCH1 is on the minus strand). VCF-style: chr9-95449300-G-A. GRCh37 (hg19) VCF-style: chr9-98211582-G-A.
Other names: c.3375C>T, p.Asn1125= (NM_001083602.3); c.3570C>T, p.Asn1190= (NM_001083603.3); c.3120C>T, p.Asn1040= (NM_001083604.3, NM_001083605.3, NM_001083606.3 and 1 more transcripts); c.3417C>T, p.Asn1139= (NM_001354918.2); c.3573C>T (NM_000264.4).
Identifiers: ClinVar variation 219409 (VCV000219409.15), dbSNP rs773389781, ClinGen allele CA348402.